The following is an entry in ClinVar:

NM_201384.3(PLEC):c.6058G>A (p.Glu2020Lys)

Gene: PLEC (plectin; minus strand). Cytogenetic location: 8q24.3.
Variant type: single nucleotide variant.
Coding change: c.6058G>A on transcript NM_201384.3 (MANE Select); coding-DNA position 6058, G replaced by A.
Protein change: p.Glu2020Lys; replaces glutamic acid 2020 with lysine.
Molecular consequence: missense variant. On other transcripts: intron variant (1).
Genome position (GRCh38, 1-based): chr8:143,923,871, C>T on the plus strand (G>A on the coding strand, the complement: PLEC is on the minus strand). VCF-style: chr8-143923871-C-T. GRCh37 (hg19) VCF-style: chr8-144998039-C-T.
Other names: c.6139G>A, p.Glu2047Lys (NM_000445.5); c.6016G>A, p.Glu2006Lys (NM_201378.4); c.5992G>A, p.Glu1998Lys (NM_201379.3); c.6469G>A, p.Glu2157Lys (NM_201380.4); c.5962G>A, p.Glu1988Lys (NM_201381.3); c.6058G>A, p.Glu2020Lys (NM_201382.4); c.6070G>A, p.Glu2024Lys (NM_201383.3); c.4126-1476G>A (NM_001410941.1); short protein forms E1988K, E1998K, E2006K, E2020K, E2024K, E2047K, E2157K.
Identifiers: ClinVar variation 3751990 (VCV003751990.2).

ClinVar aggregate classification (germline): Uncertain significance (1 of 4 stars; one submission).

Conditions:
Epidermolysis bullosa simplex with nail dystrophy (EBS5D). Identifiers: MedGen C4225309, MONDO:0014661, OMIM 616487.
Epidermolysis bullosa simplex, Ogna type (EBS5A). Also called: Pidermolysis bullosa simplex 5A, Ogna type; EPIDERMOLYSIS BULLOSA SIMPLEX 5A, OGNA TYPE. Identifiers: Orphanet 79401, MedGen C0432317, MONDO:0007555, OMIM 131950.
Autosomal recessive limb-girdle muscular dystrophy type 2Q (LGMDR17). Also called: MUSCULAR DYSTROPHY, LIMB-GIRDLE, AUTOSOMAL RECESSIVE 17. Identifiers: Orphanet 254361, MedGen C3150989, MONDO:0013390, OMIM 613723.
Epidermolysis bullosa simplex 5B, with muscular dystrophy (EBS5B). Also called: EPIDERMOLYSIS BULLOSA SIMPLEX AND LIMB-GIRDLE MUSCULAR DYSTROPHY; Epidermolysis bullosa simplex with muscular dystrophy. Identifiers: Orphanet 257, MedGen C2931072, MONDO:0009181, OMIM 226670.
Epidermolysis bullosa simplex 5C, with pyloric atresia (EBS5C). Also called: PLEC-Related Epidermolysis Bullosa with Pyloric Atresia; Epidermolysis bullosa simplex with pyloric atresia; PLEC1-Related Epidermolysis Bullosa with Pyloric Atresia. Identifiers: Orphanet 158684, MedGen C2677349, MONDO:0012807, OMIM 612138.

gnomAD v4.1: 2 of 1,594,448 alleles (0.00013%); highest among the groups gnomAD compares: Non-Finnish European, 0.00017%; no homozygotes.

Submission:

Labcorp Genetics (formerly Invitae), Labcorp
Classification: Uncertain significance for Autosomal recessive limb-girdle muscular dystrophy type 2Q; Epidermolysis bullosa simplex, Ogna type; Epidermolysis bullosa simplex with nail dystrophy; Epidermolysis bullosa simplex 5C, with pyloric atresia; Epidermolysis bullosa simplex 5B, with muscular dystrophy. Last evaluated: 2024-05-04. Review status: criteria provided, single submitter. Criteria: Invitae Variant Classification Sherloc (09022015). Collection method: clinical testing. Allele origin: germline.
Comment: This sequence change replaces glutamic acid, which is acidic and polar, with lysine, which is basic and polar, at codon 2047 of the PLEC protein (p.Glu2047Lys). This variant is not present in population databases (gnomAD no frequency). This variant has not been reported in the literature in individuals affected with PLEC-related conditions. Experimental studies and prediction algorithms are not available or were not evaluated, and the functional significance of this variant is currently unknown. In summary, the available evidence is currently insufficient to determine the role of this variant in disease. Therefore, it has been classified as a Variant of Uncertain Significance.